The following is an entry in ClinVar:

NM_000743.5(CHRNA3):c.627C>A (p.Ile209=)

Gene: CHRNA3 (cholinergic receptor nicotinic alpha 3 subunit; minus strand). Cytogenetic location: 15q25.1.
Variant type: single nucleotide variant.
Coding change: c.627C>A on transcript NM_000743.5 (MANE Select); coding-DNA position 627, C replaced by A.
Protein change: p.Ile209=; no amino-acid change (isoleucine 209 retained).
Molecular consequence: synonymous variant. On other transcripts: non-coding transcript variant (1).
Genome position (GRCh38, 1-based): chr15:78,602,015, G>T on the plus strand (C>A on the coding strand, the complement: CHRNA3 is on the minus strand). VCF-style: chr15-78602015-G-T. GRCh37 (hg19) VCF-style: chr15-78894357-G-T.
Other names: c.627C>A, p.Ile209= (NM_001166694.2).
Identifiers: ClinVar variation 779448 (VCV000779448.22), dbSNP rs55958820, ClinGen allele CA7684432.
Genomic context (GRCh38, chr15:78,602,015, plus strand): 5'-GGGGTAGATCTCCTCGCAGCAGTTGTACTTGATGTCGTGTTTGTAGCCTGGGGCTTTGAT[G>T]ATGGCCCACTCGCCGCTCTCCCAATAGTCCTTGAGGTTCATGGAAGAGCCGATCAGGACC-3'
Protein context (NP_000734.2, residues 199-219): KDYWESGEWA[Ile209=]IKAPGYKHDI

ClinVar aggregate classification (germline): Benign. Review status: criteria provided, multiple submitters, no conflicts (2 of 4 stars). 3 submissions from 3 submitters: Benign (3). Last evaluated 2025-12-16.

Allele frequency attached by ClinVar (database versions not stated): 1000 Genomes Project 0.00200; 1000 Genomes Project 30x 0.00234; TOPMed 0.00618; gnomAD 0.00623 and 0.00649; ESP Exome Variant Server 0.00747.
gnomAD v4.1: 14,289 of 1,613,436 alleles (0.89%); highest among the groups gnomAD compares: Non-Finnish European, 1.1%; 91 homozygotes.

Submissions (3):

Labcorp Genetics (formerly Invitae), Labcorp
Classification: Benign. Last evaluated: 2025-12-16. Review status: criteria provided, single submitter. Criteria: Invitae Variant Classification Sherloc (09022015). Collection method: clinical testing. Allele origin: germline.

CeGaT Center for Human Genetics Tuebingen
Classification: Benign. Last evaluated: 2024-09-01. Review status: criteria provided, single submitter. Criteria: CeGaT Center For Human Genetics Tuebingen Variant Classification Criteria Version 2. Collection method: clinical testing. Allele origin: germline. Affected: yes. Observed: 1 variant allele.
Comment: CHRNA3: BP4, BS1, BS2

Breakthrough Genomics
Classification: Benign. Review status: criteria provided, single submitter. Criteria: ACMG Guidelines, 2015. Collection method: not provided. Allele origin: germline. Inheritance: Autosomal recessive inheritance. Affected: yes.